The following is an entry in ClinVar:

ClinVar aggregate classification (germline): Uncertain significance (1 of 4 stars; one submission).

Conditions:
Familial cold autoinflammatory syndrome 2 (FCAS2). Identifiers: Orphanet 247868, MedGen C2673198, MONDO:0012724, OMIM 611762.

Submission:

Labcorp Genetics (formerly Invitae), Labcorp
Classification: Uncertain significance for Familial cold autoinflammatory syndrome 2. Last evaluated: 2022-01-15. Review status: criteria provided, single submitter. Criteria: Invitae Variant Classification Sherloc (09022015). Collection method: clinical testing. Allele origin: germline.
Comment: This sequence change replaces glutamic acid, which is acidic and polar, with aspartic acid, which is acidic and polar, at codon 963 of the NLRP12 protein (p.Glu963Asp). This variant is not present in population databases (gnomAD no frequency). This variant has not been reported in the literature in individuals affected with NLRP12-related conditions. Algorithms developed to predict the effect of missense changes on protein structure and function are either unavailable or do not agree on the potential impact of this missense change (SIFT: "Deleterious"; PolyPhen-2: "Benign"; Align-GVGD: "Class C0"). In summary, the available evidence is currently insufficient to determine the role of this variant in disease. Therefore, it has been classified as a Variant of Uncertain Significance.

NM_144687.4(NLRP12):c.2889G>C (p.Glu963Asp)

Gene: NLRP12 (NLR family pyrin domain containing 12; minus strand). Cytogenetic location: 19q13.42.
Variant type: single nucleotide variant.
Coding change: c.2889G>C on transcript NM_144687.4 (MANE Select); coding-DNA position 2889, G replaced by C.
Protein change: p.Glu963Asp; replaces glutamic acid 963 with aspartic acid.
Molecular consequence: missense variant. On other transcripts: intron variant (1).
Genome position (GRCh38, 1-based): chr19:53,798,281, C>G on the plus strand (G>C on the coding strand, the complement: NLRP12 is on the minus strand). VCF-style: chr19-53798281-C-G. GRCh37 (hg19) VCF-style: chr19-54301535-C-G.
Other names: c.2892G>C, p.Glu964Asp (NM_001277126.2); c.2757-2252G>C (NM_001277129.1); short protein forms E963D, E964D.
Identifiers: ClinVar variation 2083845 (VCV002083845.4), dbSNP rs2514232422, ClinGen allele CA407407783.